The following is an entry in ClinVar:

ClinVar aggregate classification (germline): Conflicting classifications of pathogenicity. Review status: criteria provided, conflicting classifications (1 of 4 stars). 3 submissions from 3 submitters: Uncertain significance (1); Likely benign (2). Last evaluated 2024-05-13.

Conditions:
Pulmonary hypertension, primary, 1 (PPH1). Also called: Pulmonary hypertension, familial primary, 1, with or without HHT. Identifiers: Orphanet 422, MedGen C4552070, MONDO:0024533, OMIM 178600.
Inborn genetic diseases. Identifiers: MedGen C0950123, MeSH D030342.
Pulmonary venoocclusive disease 1 (PVOD1). Also called: Pulmonary venoocclusive disease 1, autosomal dominant. Identifiers: Orphanet 31837, MedGen C3887658, MONDO:0020713, OMIM 265450.

Allele frequency attached by ClinVar (database versions not stated): TOPMed 0.00006; gnomAD exomes 0.00003 and 0.00006; gnomAD 0.00005; ExAC 0.00002.
gnomAD v4.1: 92 of 1,614,078 alleles (0.0057%); highest among the groups gnomAD compares: Non-Finnish European, 0.0071%; no homozygotes.

Submissions (3):

Fulgent Genetics
Classification: Uncertain significance for Pulmonary hypertension, primary, 1; Pulmonary venoocclusive disease 1. Last evaluated: 2024-05-13. Review status: criteria provided, single submitter. Criteria: ACMG Guidelines, 2015. Collection method: clinical testing. Allele origin: germline.

Ambry Genetics
Classification: Likely benign for Inborn genetic diseases. Last evaluated: 2019-10-23. Review status: criteria provided, single submitter. Criteria: Ambry Variant Classification Scheme 2023. Collection method: clinical testing. Allele origin: germline.

Illumina Laboratory Services, Illumina
Classification: Likely benign for Pulmonary hypertension, primary, 1. Last evaluated: 2018-01-13. Review status: criteria provided, single submitter. Criteria: ICSL Variant Classification Criteria 13 December 2019. Collection method: clinical testing. Allele origin: germline.
Comment: This variant was observed in the ICSL laboratory as part of a predisposition screen in an ostensibly healthy population. It had not been previously curated by ICSL or reported in the Human Gene Mutation Database (HGMD: prior to June 1st, 2018), and was therefore a candidate for classification through an automated scoring system. Utilizing variant allele frequency, disease prevalence and penetrance estimates, and inheritance mode, an automated score was calculated to assess if this variant is too frequent to cause the disease. Based on the score and internal cut-off values, a variant classified as likely benign is not then subjected to further curation. The score for this variant resulted in a classification of likely benign for this disease.

NM_001204.7(BMPR2):c.1677T>A (p.Thr559=)

Gene: BMPR2 (bone morphogenetic protein receptor type 2; plus strand). Cytogenetic location: 2q33.2.
Variant type: single nucleotide variant.
Coding change: c.1677T>A on transcript NM_001204.7 (MANE Select); coding-DNA position 1677, T replaced by A.
Protein change: p.Thr559=; no amino-acid change (threonine 559 retained).
Molecular consequence: synonymous variant.
Genome position (GRCh38, 1-based): chr2:202,555,342, T>A. VCF-style: chr2-202555342-T-A. GRCh37 (hg19) VCF-style: chr2-203420065-T-A.
Identifiers: ClinVar variation 898485 (VCV000898485.7), dbSNP rs748684688, ClinGen allele CA2061424.